The following is an entry in ClinVar:

NM_019888.3(MC3R):c.12G>A (p.Ser4=)

Gene: MC3R (melanocortin 3 receptor; plus strand). Cytogenetic location: 20q13.2.
Variant type: single nucleotide variant.
Coding change: c.12G>A on transcript NM_019888.3 (MANE Select); coding-DNA position 12, G replaced by A.
Protein change: p.Ser4=; no amino-acid change (serine 4 retained).
Molecular consequence: synonymous variant.
Genome position (GRCh38, 1-based): chr20:56,248,855, G>A. VCF-style: chr20-56248855-G-A. GRCh37 (hg19) VCF-style: chr20-54823911-G-A.
Identifiers: ClinVar variation 2816572 (VCV002816572.3), dbSNP rs2515857308, ClinGen allele CA511208176.

ClinVar aggregate classification (germline): Uncertain significance (1 of 4 stars; one submission).

Submission:

Labcorp Genetics (formerly Invitae), Labcorp
Classification: Uncertain significance. Last evaluated: 2023-08-19. Review status: criteria provided, single submitter. Criteria: Invitae Variant Classification Sherloc (09022015). Collection method: clinical testing. Allele origin: germline.
Comment: This variant has not been reported in the literature in individuals affected with MC3R-related conditions. In summary, the available evidence is currently insufficient to determine the role of this variant in disease. Therefore, it has been classified as a Variant of Uncertain Significance. This variant is not present in population databases (gnomAD no frequency). This sequence change affects codon 4 of the MC3R mRNA. It is a 'silent' change, meaning that it does not change the encoded amino acid sequence of the MC3R protein.